The following is an entry in ClinVar:

ClinVar aggregate classification (germline): Pathogenic. Review status: criteria provided, multiple submitters, no conflicts (2 of 4 stars). 2 submissions from 2 submitters: Pathogenic (2). Last evaluated 2024-04-22.

Conditions:
Familial adenomatous polyposis 1 (FAP1). Also called: FAMILIAL ADENOMATOUS POLYPOSIS 1, ATTENUATED; POLYPOSIS, ADENOMATOUS INTESTINAL. Identifiers: MedGen C2713442, MONDO:0021056, OMIM 175100. Disease mechanism: loss of function.

Submissions (2):

Labcorp Genetics (formerly Invitae), Labcorp
Classification: Pathogenic for Familial adenomatous polyposis 1. Last evaluated: 2024-04-22. Review status: criteria provided, single submitter. Criteria: Invitae Variant Classification Sherloc (09022015). Collection method: clinical testing. Allele origin: germline.
Comment: This sequence change creates a premature translational stop signal (p.Ser1504Alafs*2) in the APC gene. While this is not anticipated to result in nonsense mediated decay, it is expected to disrupt the last 1340 amino acid(s) of the APC protein. This variant is not present in population databases (gnomAD no frequency). This premature translational stop signal has been observed in individual(s) with familial adenomatous polyposis (PMID: 9375853, 21779980). This variant is also known as 4510del4. ClinVar contains an entry for this variant (Variation ID: 1451524). A different truncation (p.Tyr2645Lysfs*14) that lies downstream of this variant has been determined to be pathogenic (PMID: 9824584, 1316610, 27081525, 8381579, 22135120, Invitae). This suggests that deletion of this region of the APC protein is causative of disease. This variant is expected to disrupt the EB1 and HDLG binding sites, which mediate interactions with the cytoskeleton (PMID: 15311282, 17293347). While functional studies have not been performed to directly test the effect on APC protein function, this suggests that disruption of the C-terminal portion of the protein is functionally important. For these reasons, this variant has been classified as Pathogenic.

Myriad Genetics, Inc.
Classification: Pathogenic for Familial adenomatous polyposis 1. Last evaluated: 2023-05-11. Review status: criteria provided, single submitter. Criteria: Myriad Autosomal Dominant, Autosomal Recessive and X-Linked Classification Criteria (2023). Collection method: clinical testing. Allele origin: unknown.
Comment: This variant is considered pathogenic. This variant creates a frameshift predicted to result in premature protein truncation.

Literature cited by the submitters: PubMed 9375853 (cited by Labcorp Genetics (formerly Invitae), Labcorp); PubMed 21779980 (cited by Labcorp Genetics (formerly Invitae), Labcorp); PubMed 9824584 (cited by Labcorp Genetics (formerly Invitae), Labcorp); PubMed 1316610 (cited by Labcorp Genetics (formerly Invitae), Labcorp); PubMed 27081525 (cited by Labcorp Genetics (formerly Invitae), Labcorp); PubMed 8381579 (cited by Labcorp Genetics (formerly Invitae), Labcorp); PubMed 22135120 (cited by Labcorp Genetics (formerly Invitae), Labcorp); PubMed 15311282 (cited by Labcorp Genetics (formerly Invitae), Labcorp); PubMed 17293347 (cited by Labcorp Genetics (formerly Invitae), Labcorp).

NM_000038.6(APC):c.4510_4513del (p.Ser1504fs)

Gene: APC (APC regulator of Wnt signaling pathway; plus strand). Cytogenetic location: 5q22.2.
Variant type: Deletion.
Coding change: c.4510_4513del on transcript NM_000038.6 (MANE Select); coding-DNA positions 4510 to 4513, 4 bases deleted (TCCA; older notation c.4510_4513delTCCA).
Protein change: p.Ser1504fs; shifts the reading frame from serine 1504.
Molecular consequence: frameshift variant.
Genome position (GRCh38, 1-based): chr5:112,840,104-112,840,107, TCCA deleted; deleting any 4 consecutive bases within chr5:112,840,102-112,840,107 gives the same sequence; the c. name uses the placement nearest the transcript's 3' end. VCF-style (leftmost placement, unchanged base first): chr5-112840101-TCATC-T. GRCh37 (hg19) VCF-style: chr5-112175798-TCATC-T.
Other names: c.4510_4513del, p.Ser1504fs (NM_001127510.3, NM_001354895.2); c.4456_4459del, p.Ser1486fs (NM_001127511.3); c.4564_4567del, p.Ser1522fs (NM_001354896.2); c.4540_4543del, p.Ser1514fs (NM_001354897.2); c.4435_4438del, p.Ser1479fs (NM_001354898.2); c.4426_4429del, p.Ser1476fs (NM_001354899.2); c.4387_4390del, p.Ser1463fs (NM_001354900.2); c.4333_4336del, p.Ser1445fs (NM_001354901.2); and 5 more; short protein forms S1221fs, S1403fs, S1445fs, S1522fs, S1344fs, S1378fs, S1476fs, S1504fs.
Identifiers: ClinVar variation 1451524 (VCV001451524.7), dbSNP rs2149916412, ClinGen allele CA658760736.
Genomic context (GRCh38, chr5:112,840,101, plus strand): 5'-CCAGATGCTGATACTTTATTACATTTTGCCACGGAAAGTACTCCAGATGGATTTTCTTGT[TCATC>T]CAGCCTGAGTGCTCTGAGCCTCGATGAGCCATTTATACAGAAAGATGTGGAATTAAGAAT-3'